The following is an entry in ClinVar:

ClinVar aggregate classification (germline): Likely benign (0 of 4 stars; one submission).

Conditions:
PRG4-related disorder. Also called: PRG4-related condition.

Allele frequency attached by ClinVar (database versions not stated): ExAC 0.00001; gnomAD exomes 0.00001; gnomAD 0.00002.
gnomAD v4.1: 14 of 1,613,456 alleles (0.00087%); highest among the groups gnomAD compares: African/African-American, 0.0027%; no homozygotes.

Submission:

PreventionGenetics, part of Exact Sciences
Classification: Likely benign for PRG4-related condition. Last evaluated: 2024-02-01. Review status: no assertion criteria provided. Collection method: clinical testing. Allele origin: germline.
Comment: This variant is classified as likely benign based on ACMG/AMP sequence variant interpretation guidelines (Richards et al. 2015 PMID: 25741868, with internal and published modifications).

NM_005807.6(PRG4):c.3048G>A (p.Ala1016=)

Gene: PRG4 (proteoglycan 4; plus strand). Cytogenetic location: 1q31.1.
Variant type: single nucleotide variant.
Coding change: c.3048G>A on transcript NM_005807.6 (MANE Select); coding-DNA position 3048, G replaced by A.
Protein change: p.Ala1016=; no amino-acid change (alanine 1016 retained).
Molecular consequence: synonymous variant.
Genome position (GRCh38, 1-based): chr1:186,308,767, G>A. VCF-style: chr1-186308767-G-A. GRCh37 (hg19) VCF-style: chr1-186277899-G-A.
Other names: c.2925G>A, p.Ala975= (NM_001127708.3); c.2769G>A, p.Ala923= (NM_001127709.3); c.2646G>A, p.Ala882= (NM_001127710.3); c.2919G>A, p.Ala973= (NM_001303232.2).
Identifiers: ClinVar variation 3054779 (VCV003054779.2), dbSNP rs775699333, ClinGen allele CA1296539.